The following is an entry in ClinVar:

NM_005060.4(RORC):c.1284C>A (p.Ala428=)

Gene: RORC (RAR related orphan receptor C; minus strand). Cytogenetic location: 1q21.3.
Variant type: single nucleotide variant.
Coding change: c.1284C>A on transcript NM_005060.4 (MANE Select); coding-DNA position 1284, C replaced by A.
Protein change: p.Ala428=; no amino-acid change (alanine 428 retained).
Molecular consequence: synonymous variant.
Genome position (GRCh38, 1-based): chr1:151,812,948, G>T on the plus strand (C>A on the coding strand, the complement: RORC is on the minus strand). VCF-style: chr1-151812948-G-T. GRCh37 (hg19) VCF-style: chr1-151785424-G-T.
Other names: c.1221C>A, p.Ala407= (LRG_1322t2, NM_001001523.2); c.1284C>A, p.Ala428= (LRG_1322t1).
Identifiers: ClinVar variation 652941 (VCV000652941.4), dbSNP rs147363563, ClinGen allele CA1095709.

ClinVar aggregate classification (germline): Uncertain significance (1 of 4 stars; one submission).

Conditions:
Autosomal recessive mendelian susceptibility to mycobacterial diseases due to complete RORgamma receptor deficiency. Also called: Immunodeficiency 42. Identifiers: Orphanet 477857, MedGen C5567647, MONDO:0014710, OMIM 616622.

Allele frequency attached by ClinVar (database versions not stated): ExAC 0.00001; gnomAD exomes 0.00001; gnomAD 0.00006 and 0.00007; ESP Exome Variant Server 0.00015; TOPMed 0.00016.

Submission:

Labcorp Genetics (formerly Invitae), Labcorp
Classification: Uncertain significance for Autosomal recessive mendelian susceptibility to mycobacterial diseases due to complete RORgamma receptor deficiency. Last evaluated: 2021-12-20. Review status: criteria provided, single submitter. Criteria: Invitae Variant Classification Sherloc (09022015). Collection method: clinical testing. Allele origin: germline.
Comment: This sequence change affects codon 428 of the RORC mRNA. It is a 'silent' change, meaning that it does not change the encoded amino acid sequence of the RORC protein. It affects a nucleotide within the consensus splice site. This variant is present in population databases (rs147363563, gnomAD 0.02%). This variant has not been reported in the literature in individuals affected with RORC-related conditions. ClinVar contains an entry for this variant (Variation ID: 652941). Algorithms developed to predict the effect of sequence changes on RNA splicing suggest that this variant is not likely to affect RNA splicing. In summary, the available evidence is currently insufficient to determine the role of this variant in disease. Therefore, it has been classified as a Variant of Uncertain Significance.